The following is an entry in ClinVar:

ClinVar aggregate classification (germline): Likely benign. Review status: reviewed by expert panel (3 of 4 stars). 4 submissions from 4 submitters: Likely benign (1). 3 of the submissions do not count toward it. Last evaluated 2017-06-29.

Conditions:
BRCA2-related cancer predisposition. Identifiers: MedGen CN377758, MONDO:0700269.
Hereditary cancer-predisposing syndrome. Also called: Tumor predisposition; Hereditary Cancer Syndrome; Hereditary neoplastic syndrome; Neoplastic Syndromes, Hereditary. Identifiers: Orphanet 140162, MedGen C0027672, MeSH D009386, MONDO:0015356.
Hereditary breast ovarian cancer syndrome. Also called: Breast and ovarian cancer; Hereditary breast and ovarian cancer syndrome; Hereditary breast and ovarian cancer; BRCA1- and BRCA2-Associated Hereditary Breast and Ovarian Cancer; Hereditary breast and ovarian cancer syndrome (HBOC); Hereditary breast and/or ovarian cancer syndrome. Identifiers: Orphanet 145, MedGen C0677776, MeSH D061325, MONDO:0003582. Disease mechanism: loss of function.
Breast-ovarian cancer, familial, susceptibility to, 2 (BROVCA2). Also called: BRCA2 Hereditary Breast and Ovarian Cancer. Identifiers: Orphanet 145, MedGen C2675520, MONDO:0012933, OMIM 612555. Disease mechanism: loss of function.

Submissions (4):

Evidence-based Network for the Interpretation of Germline Mutant Alleles (ENIGMA)
Classification: Likely benign for Breast-ovarian cancer, familial, susceptibility to, 2. Last evaluated: 2017-06-29. Review status: reviewed by expert panel. Criteria: ENIGMA BRCA1/2 Classification Criteria (2017-06-29). Collection method: curation. Allele origin: germline.
Comment: Synonymous substitution variant, with low bioinformatic likelihood to result in a splicing aberration (Splicing prior probability 0.02).

All of Us Research Program, National Institutes of Health
Classification: Likely benign for BRCA2-related cancer predisposition. Last evaluated: 2024-04-16. Review status: criteria provided, single submitter. Criteria: ACMG Guidelines, 2015. Collection method: clinical testing. Allele origin: germline. Inheritance: Autosomal dominant inheritance. Observed: 1 variant allele, 1 heterozygote. Not counted in ClinVar's aggregate classification.
Comment: This study involves interpretation of variants in research participants for the purpose of population health screening. Participant phenotype was not available at the time of variant classification. Additional details can be found in publication PMID: 35346344, PMCID: PMC8962531

Labcorp Genetics (formerly Invitae), Labcorp
Classification: Likely benign for Hereditary breast ovarian cancer syndrome. Last evaluated: 2023-01-09. Review status: criteria provided, single submitter. Criteria: Invitae Variant Classification Sherloc (09022015). Collection method: clinical testing. Allele origin: germline. Not counted in ClinVar's aggregate classification.

Ambry Genetics
Classification: Likely benign for Hereditary cancer-predisposing syndrome. Last evaluated: 2014-04-07. Review status: criteria provided, single submitter. Criteria: Ambry Autosomal Dominant and X-Linked criteria (10/2015). Collection method: clinical testing. Allele origin: germline. Observed: 1 variant allele. Not counted in ClinVar's aggregate classification.

NM_000059.4(BRCA2):c.3762G>A (p.Glu1254=)

Gene: BRCA2 (BRCA2 DNA repair associated; plus strand). Cytogenetic location: 13q13.1.
Variant type: single nucleotide variant.
Coding change: c.3762G>A on transcript NM_000059.4 (MANE Select); coding-DNA position 3762, G replaced by A.
Protein change: p.Glu1254=; no amino-acid change (glutamic acid 1254 retained).
Molecular consequence: synonymous variant.
Genome position (GRCh38, 1-based): chr13:32,338,117, G>A. VCF-style: chr13-32338117-G-A. GRCh37 (hg19) VCF-style: chr13-32912254-G-A.
Identifiers: ClinVar variation 184867 (VCV000184867.14), dbSNP rs777028631, ClinGen allele CA018737.